The following is an entry in ClinVar:

ClinVar aggregate classification (germline): Uncertain significance (1 of 4 stars; one submission).

Conditions:
Cerebral creatine deficiency syndrome. Also called: Creatine deficiency syndromes. Identifiers: Orphanet 79172, MedGen C5244016, MONDO:0000456.

Allele frequency attached by ClinVar (database versions not stated): gnomAD exomes below 0.00001.

Submission:

Labcorp Genetics (formerly Invitae), Labcorp
Classification: Uncertain significance for Cerebral creatine deficiency syndrome. Last evaluated: 2021-12-21. Review status: criteria provided, single submitter. Criteria: Invitae Variant Classification Sherloc (09022015). Collection method: clinical testing. Allele origin: germline.
Comment: This sequence change replaces isoleucine, which is neutral and non-polar, with methionine, which is neutral and non-polar, at codon 152 of the GAMT protein (p.Ile152Met). This variant is present in population databases (no rsID available, gnomAD 0.002%). This variant has not been reported in the literature in individuals affected with GAMT-related conditions. Algorithms developed to predict the effect of missense changes on protein structure and function are either unavailable or do not agree on the potential impact of this missense change (SIFT: "Deleterious"; PolyPhen-2: "Benign"; Align-GVGD: "Class C0"). In summary, the available evidence is currently insufficient to determine the role of this variant in disease. Therefore, it has been classified as a Variant of Uncertain Significance.

NM_000156.6(GAMT):c.456C>G (p.Ile152Met)

Gene: GAMT (guanidinoacetate N-methyltransferase; minus strand). Cytogenetic location: 19p13.3.
Variant type: single nucleotide variant.
Coding change: c.456C>G on transcript NM_000156.6 (MANE Select); coding-DNA position 456, C replaced by G.
Protein change: p.Ile152Met; replaces isoleucine 152 with methionine.
Molecular consequence: missense variant.
Genome position (GRCh38, 1-based): chr19:1,399,131, G>C on the plus strand (C>G on the coding strand, the complement: GAMT is on the minus strand). VCF-style: chr19-1399131-G-C. GRCh37 (hg19) VCF-style: chr19-1399130-G-C.
Other names: c.456C>G, p.Ile152Met (NM_138924.3); short protein forms I152M.
Identifiers: ClinVar variation 2049022 (VCV002049022.1), dbSNP rs1198352263, ClinGen allele CA402994927.